The following is an entry in ClinVar:

NM_002691.4(POLD1):c.1612del (p.Val538fs)

Gene: POLD1 (DNA polymerase delta 1, catalytic subunit; plus strand). Cytogenetic location: 19q13.33.
Variant type: Deletion.
Coding change: c.1612del on transcript NM_002691.4 (MANE Select); coding-DNA position 1612, one base deleted (G; older notation c.1612delG).
Protein change: p.Val538fs; shifts the reading frame from valine 538.
Molecular consequence: frameshift variant. On other transcripts: non-coding transcript variant (1).
Genome position (GRCh38, 1-based): chr19:50,407,100, G deleted; the last of 3 consecutive G bases (chr19:50,407,098-50,407,100); deleting any one gives the same sequence. VCF-style (leftmost placement, unchanged base first): chr19-50407097-AG-A. GRCh37 (hg19) VCF-style: chr19-50910354-AG-A.
Other names: c.1612del, p.Val538fs (NM_001256849.1, NM_001308632.1, NM_001438210.1 and 3 more transcripts); short protein forms V538fs.
Identifiers: ClinVar variation 4734676 (VCV004734676.1).

ClinVar aggregate classification (germline): Uncertain significance (1 of 4 stars; one submission).

Conditions:
POLD1-related polyposis and colorectal cancer syndrome (CRCS10). Also called: COLORECTAL CANCER, SUSCEPTIBILITY TO, ON CHROMOSOME 19q; Colorectal cancer 10; Colorectal cancer, susceptibility to, 10. Identifiers: Orphanet 220460, MedGen C2675481, MONDO:0012953, OMIM 612591.

Submission:

Labcorp Genetics (formerly Invitae), Labcorp
Classification: Uncertain significance for POLD1-related polyposis and colorectal cancer syndrome. Last evaluated: 2026-01-04. Review status: criteria provided, single submitter. Criteria: Invitae Variant Classification Sherloc (09022015). Collection method: clinical testing. Allele origin: germline.
Comment: This sequence change creates a premature translational stop signal (p.Val538Serfs*32) in the POLD1 gene. Missense variants that disrupt the 3'-5' exonuclease (proof-reading) activity of the POLD1 protein are associated with PPAP (polymerase proofreading–associated polyposis) (PMID: 23263490, 23447401). However, loss-of-function variants that result in an absent or severely disrupted POLD1 protein, and missense variants outside the exonuclease domain, are unlikely to be associated with PPAP. This variant is not present in population databases (gnomAD no frequency). This variant has not been reported in the literature in individuals affected with POLD1-related conditions. In summary, the available evidence is currently insufficient to determine the role of this variant in disease. Therefore, it has been classified as a Variant of Uncertain Significance.

Literature cited by the submitters: PubMed 23263490; PubMed 23447401.